The following is an entry in ClinVar:

NM_001040108.2(MLH3):c.2674A>C (p.Met892Leu)

Gene: MLH3 (mutL homolog 3; minus strand). Cytogenetic location: 14q24.3.
Variant type: single nucleotide variant.
Coding change: c.2674A>C on transcript NM_001040108.2 (MANE Select); coding-DNA position 2674, A replaced by C.
Protein change: p.Met892Leu; replaces methionine 892 with leucine.
Molecular consequence: missense variant.
Genome position (GRCh38, 1-based): chr14:75,046,982, T>G on the plus strand (A>C on the coding strand, the complement: MLH3 is on the minus strand). VCF-style: chr14-75046982-T-G. GRCh37 (hg19) VCF-style: chr14-75513685-T-G.
Other names: c.2674A>C, p.Met892Leu (NM_014381.3); short protein forms M892L.
Identifiers: ClinVar variation 2563526 (VCV002563526.2), dbSNP rs780125940, ClinGen allele CA390439109.
Genomic context (GRCh38, chr14:75,046,982, plus strand): 5'-ACAACTTGCTGTCTTTCCTACTGGAATCTGAATTTGGAAGTTCATTAAAACGACTCATCA[T>G]CCCCATTGTTTGAGTTTCTCTTTCGGAACCCTTCAGTCTGGATAATTTAGAGGCTAGTGA-3'
Protein context (NP_001035197.1, residues 882-902): GSERETQTMG[Met892Leu]MSRFNELPNS

ClinVar aggregate classification (germline): Uncertain significance (1 of 4 stars; one submission).

gnomAD v4.1: 2 of 1,614,052 alleles (0.00012%); highest among the groups gnomAD compares: East Asian, 0.0022%; no homozygotes.

Submission:

Ambry Genetics
Classification: Uncertain significance. Last evaluated: 2023-03-25. Review status: criteria provided, single submitter. Criteria: Ambry Variant Classification Scheme 2023. Collection method: clinical testing. Allele origin: germline.
Comment: The p.M892L variant (also known as c.2674A>C), located in coding exon 1 of the MLH3 gene, results from an A to C substitution at nucleotide position 2674. The methionine at codon 892 is replaced by leucine, an amino acid with highly similar properties. This amino acid position is conserved. In addition, this alteration is predicted to be tolerated by in silico analysis. Since supporting evidence is limited at this time, the clinical significance of this alteration remains unclear.